The following is an entry in ClinVar:

NM_004168.4(SDHA):c.242_243insA (p.Ser81_Glu82insTer)

Gene: SDHA (succinate dehydrogenase complex flavoprotein subunit A; plus strand). Cytogenetic location: 5p15.33.
Variant type: Insertion.
Coding change: c.242_243insA on transcript NM_004168.4 (MANE Select); coding-DNA positions 242 to 243, A inserted.
Protein change: p.Ser81_Glu82insTer.
Molecular consequence: frameshift variant.
Genome position: GRCh38 VCF-style: chr5-224451-C-CA. GRCh37 (hg19) VCF-style: chr5-224566-C-CA.
Other names: c.242_243insA, p.Ser81_Glu82insTer (NM_001294332.2, NM_001330758.2); c.242_243insA (NM_004168.3).
Identifiers: ClinVar variation 1069906 (VCV001069906.15), dbSNP rs2126542910, ClinGen allele CA2499217815.

ClinVar aggregate classification (germline): Pathogenic/Likely pathogenic. Review status: criteria provided, multiple submitters, no conflicts (2 of 4 stars). 4 submissions from 4 submitters: Pathogenic (3); Likely pathogenic (1). Last evaluated 2025-07-08.

Conditions:
Hereditary cancer-predisposing syndrome. Also called: Tumor predisposition; Hereditary neoplastic syndrome; Neoplastic Syndromes, Hereditary; Hereditary Cancer Syndrome. Identifiers: Orphanet 140162, MedGen C0027672, MeSH D009386, MONDO:0015356.
Mitochondrial complex II deficiency, nuclear type 1. Also called: SUCCINATE CoQ REDUCTASE DEFICIENCY. Identifiers: Orphanet 3208, MedGen C5700310, MONDO:0100294, OMIM 252011.
Pheochromocytoma/paraganglioma syndrome 5. Also called: Paragangliomas 5; SDHA-Related Hereditary Paraganglioma-Pheochromocytoma Syndrome. Identifiers: Orphanet 29072, MedGen C3279992, MONDO:0013602, OMIM 614165.

Submissions (4):

Labcorp Genetics (formerly Invitae), Labcorp
Classification: Pathogenic for Pheochromocytoma/paraganglioma syndrome 5; Mitochondrial complex II deficiency, nuclear type 1. Last evaluated: 2025-07-08. Review status: criteria provided, single submitter. Criteria: Invitae Variant Classification Sherloc (09022015). Collection method: clinical testing. Allele origin: germline.
Comment: This sequence change creates a premature translational stop signal (p.Glu82*) in the SDHA gene. It is expected to result in an absent or disrupted protein product. Loss-of-function variants in SDHA are known to be pathogenic (PMID: 22974104, 24781757). This variant is not present in population databases (gnomAD no frequency). This variant has not been reported in the literature in individuals affected with SDHA-related conditions. ClinVar contains an entry for this variant (Variation ID: 1069906). For these reasons, this variant has been classified as Pathogenic.

Quest Diagnostics Nichols Institute San Juan Capistrano
Classification: Likely pathogenic. Last evaluated: 2023-09-15. Review status: criteria provided, single submitter. Criteria: Quest Diagnostics criteria. Collection method: clinical testing. Allele origin: unknown.
Comment: The SDHA c.242_243insA (p.Glu82*) variant is predicted to cause the premature termination of SDHA protein synthesis. This variant has not been reported in individuals with SDHA-related conditions in the published literature. This variant has not been reported in large, multi-ethnic general populations (Genome Aggregation Database). Based on the available information, this variant is classified as likely pathogenic.

Myriad Genetics, Inc.
Classification: Pathogenic for Pheochromocytoma/paraganglioma syndrome 5. Last evaluated: 2023-01-31. Review status: criteria provided, single submitter. Criteria: Myriad Autosomal Dominant, Autosomal Recessive and X-Linked Classification Criteria (2023). Collection method: clinical testing. Allele origin: unknown.
Comment: This variant is considered pathogenic. This variant creates a termination codon and is predicted to result in premature protein truncation.

Ambry Genetics
Classification: Pathogenic for Hereditary cancer-predisposing syndrome. Last evaluated: 2022-10-25. Review status: criteria provided, single submitter. Criteria: Ambry Variant Classification Scheme 2023. Collection method: clinical testing. Allele origin: germline.
Comment: The c.242_243insA pathogenic mutation, located in coding exon 3 of the SDHA gene, results from an insertion of one nucleotide at position 242, causing a translational frameshift with a predicted alternate stop codon (p.E82*). This variant is considered to be rare based on population cohorts in the Genome Aggregation Database (gnomAD). This alteration is expected to result in loss of function by premature protein truncation or nonsense-mediated mRNA decay. As such, this alteration is interpreted as a disease-causing mutation.

Literature cited by the submitters: PubMed 22974104 (cited by Labcorp Genetics (formerly Invitae), Labcorp); PubMed 24781757 (cited by Labcorp Genetics (formerly Invitae), Labcorp).